The following is an entry in ClinVar:

NM_000443.4(ABCB4):c.1712del (p.Val571fs)

Gene: ABCB4 (ATP binding cassette subfamily B member 4; minus strand). Cytogenetic location: 7q21.12.
Variant type: Deletion.
Coding change: c.1712del on transcript NM_000443.4 (MANE Select); coding-DNA position 1712, one base deleted (T; older notation c.1712delT).
Protein change: p.Val571fs; shifts the reading frame from valine 571.
Molecular consequence: frameshift variant.
Genome position (GRCh38, 1-based): chr7:87,439,686, A deleted on the plus strand (T on the coding strand, the reverse complement: ABCB4 is on the minus strand). VCF-style (leftmost placement, unchanged base first): chr7-87439685-TA-T. GRCh37 (hg19) VCF-style: chr7-87069001-TA-T.
Other names: c.1712del, p.Val571fs (NM_018849.3, NM_018850.3); short protein forms V571fs.
Identifiers: ClinVar variation 13688 (VCV000013688.3), dbSNP rs387906527, ClinGen allele CA123357.

ClinVar aggregate classification (germline): Pathogenic. Review status: criteria provided, single submitter (1 of 4 stars). 3 submissions from 2 submitters: Pathogenic (1). 2 of the submissions do not count toward it. Last evaluated 2026-04-14.

Conditions:
Familial intrahepatic cholestasis. Identifiers: Orphanet 284385, MedGen CN296401, MONDO:0017290.
Cholestasis, intrahepatic, of pregnancy, 3. Identifiers: Orphanet 69665, MedGen C3554241, MONDO:0013995, OMIM 614972.
Progressive familial intrahepatic cholestasis type 3. Also called: MDR3 DEFICIENCY; Low Gamma-GT Familial Intrahepatic Cholestasis. Identifiers: Orphanet 79305, MedGen C1865643, MONDO:0011214, OMIM 602347.

Submissions (3):

Genomenon, Inc
Classification: Pathogenic for Familial intrahepatic cholestasis. Last evaluated: 2026-04-14. Review status: criteria provided, single submitter. Criteria: Genomenon Sequence Variant Interpretation Standards - Updated. Collection method: curation. Allele origin: germline. Affected: yes.
Comment: ABCB4 p.Val571AspfsTer16 (c.1712del) is a frameshift variant that results in the production of a truncated protein which is predicted to undergo nonsense-mediated mRNA decay. This variant has been observed in at least one proband with an ABCB4-related disorder (PMID:37701337;9923886). The variant was found to segregate with disease in at least one affected family (PMID:9923886). It is absent or not present at a significant frequency in gnomAD. In conclusion, we classify ABCB4 p.Val571AspfsTer16 (c.1712del) as a pathogenic variant.

OMIM
Classification: Pathogenic for CHOLESTASIS, PROGRESSIVE FAMILIAL INTRAHEPATIC 3. Last evaluated: 1999-01-16. Review status: no assertion criteria provided. Collection method: literature only. Allele origin: germline. Not counted in ClinVar's aggregate classification.

OMIM
Classification: Pathogenic for CHOLESTASIS, INTRAHEPATIC, OF PREGNANCY, 3. Last evaluated: 1999-01-16. Review status: no assertion criteria provided. Collection method: literature only. Allele origin: germline. Not counted in ClinVar's aggregate classification.

Literature cited by the submitters: PubMed 37701337 (cited by Genomenon, Inc); PubMed 9923886 (cited by Genomenon, Inc and OMIM).